The following is an entry in ClinVar:

ClinVar aggregate classification (germline): Uncertain significance (1 of 4 stars; one submission).

Conditions:
NYX-related disorder. Also called: NYX-related condition.

gnomAD v4.1: 2 of 1,199,910 alleles (0.00017%); highest among the groups gnomAD compares: Non-Finnish European, 0.00022%; no homozygotes.

Submission:

PreventionGenetics, part of Exact Sciences
Classification: Uncertain significance for NYX-related condition. Last evaluated: 2024-11-29. Review status: criteria provided, single submitter. Criteria: ACMG Guidelines, 2015. Collection method: clinical testing. Allele origin: germline.
Comment: The NYX c.1096G>C variant is predicted to result in the amino acid substitution p.Gly366Arg. To our knowledge, this variant has not been reported in the literature. This variant is present in 0.0015% of alleles in individuals of European (Non-Finnish) descent in gnomAD. At this time, the clinical significance of this variant is uncertain due to the absence of conclusive functional and genetic evidence.

NM_001378477.3(NYX):c.1081G>C (p.Gly361Arg)

Gene: NYX (nyctalopin; plus strand). Cytogenetic location: Xp11.4.
Variant type: single nucleotide variant.
Coding change: c.1081G>C on transcript NM_001378477.3 (MANE Select); coding-DNA position 1081, G replaced by C.
Protein change: p.Gly361Arg; replaces glycine 361 with arginine.
Molecular consequence: missense variant.
Genome position (GRCh38, 1-based): chrX:41,474,549, G>C. VCF-style: chrX-41474549-G-C. GRCh37 (hg19) VCF-style: chrX-41333802-G-C.
Other names: c.1081G>C, p.Gly361Arg (NM_022567.3); short protein forms G361R.
Identifiers: ClinVar variation 5001834 (VCV005001834.1).